The following is an entry in ClinVar:

NM_000069.3(CACNA1S):c.2992G>A (p.Asp998Asn)

Gene: CACNA1S (calcium voltage-gated channel subunit alpha1 S; minus strand). Cytogenetic location: 1q32.1.
Variant type: single nucleotide variant.
Coding change: c.2992G>A on transcript NM_000069.3 (MANE Select); coding-DNA position 2992, G replaced by A.
Protein change: p.Asp998Asn; replaces aspartic acid 998 with asparagine.
Molecular consequence: missense variant.
Genome position (GRCh38, 1-based): chr1:201,062,005, C>T on the plus strand (G>A on the coding strand, the complement: CACNA1S is on the minus strand). VCF-style: chr1-201062005-C-T. GRCh37 (hg19) VCF-style: chr1-201031133-C-T.
Other names: short protein forms D998N.
Identifiers: ClinVar variation 225282 (VCV000225282.22), dbSNP rs116347156, ClinGen allele CA079474.

ClinVar aggregate classification (germline): Conflicting classifications of pathogenicity. Review status: criteria provided, conflicting classifications (1 of 4 stars). 6 submissions from 6 submitters: Uncertain significance (1); Benign (3); Likely benign (2). Last evaluated 2026-01-25.

Conditions:
Malignant hyperthermia, susceptibility to, 5 (MHS5). Also called: CACNA1S-Related Malignant Hyperthermia Susceptibility. Identifiers: Orphanet 423, MedGen C1866077, MONDO:0011163, OMIM 601887.
Hypokalemic periodic paralysis, type 1. Also called: Hypokalemic Periodic Paralysis Type 1 (AD); HypoPP. Identifiers: Orphanet 681, MedGen C3714580, MONDO:0042979, OMIM 170400.
Malignant hyperthermia of anesthesia. Also called: Anesthesic-triggered malignant hyperthermia. Identifiers: Orphanet 423, MedGen C0024591, MONDO:0018493, HP:0034733.

Allele frequency attached by ClinVar (database versions not stated): gnomAD exomes 0.00044; ESP Exome Variant Server 0.00131; gnomAD 0.00172; TOPMed 0.00180; 1000 Genomes Project 0.00200; 1000 Genomes Project 30x 0.00203.
gnomAD v4.1: 514 of 1,614,174 alleles (0.032%); highest among the groups gnomAD compares: African/African-American, 0.59%; 4 homozygotes.

Submissions (6):

Labcorp Genetics (formerly Invitae), Labcorp
Classification: Benign for Hypokalemic periodic paralysis, type 1; Malignant hyperthermia, susceptibility to, 5. Last evaluated: 2026-01-25. Review status: criteria provided, single submitter. Criteria: Invitae Variant Classification Sherloc (09022015). Collection method: clinical testing. Allele origin: germline.

Blueprint Genetics
Classification: Likely benign. Last evaluated: 2024-03-01. Review status: criteria provided, single submitter. Criteria: ACMG Guidelines, 2015. Collection method: clinical testing. Allele origin: germline.

Color Diagnostics, LLC DBA Color Health
Classification: Benign for Malignant hyperthermia, susceptibility to, 5. Last evaluated: 2022-11-17. Review status: criteria provided, single submitter. Criteria: ACMG Guidelines, 2015. Collection method: clinical testing. Allele origin: germline.

GeneDx
Classification: Likely benign. Last evaluated: 2021-02-19. Review status: criteria provided, single submitter. Criteria: GeneDx Variant Classification Process June 2021. Collection method: clinical testing. Allele origin: germline. Affected: yes.

Illumina Laboratory Services, Illumina
Classification: Benign for Hypokalemic periodic paralysis, type 1. Last evaluated: 2018-01-13. Review status: criteria provided, single submitter. Criteria: ICSL Variant Classification Criteria 13 December 2019. Collection method: clinical testing. Allele origin: germline.
Comment: This variant was observed in the ICSL laboratory as part of a predisposition screen in an ostensibly healthy population. It had not been previously curated by ICSL or reported in the Human Gene Mutation Database (HGMD: prior to June 1st, 2018), and was therefore a candidate for classification through an automated scoring system. Utilizing variant allele frequency, disease prevalence and penetrance estimates, and inheritance mode, an automated score was calculated to assess if this variant is too frequent to cause the disease. Based on the score and internal cut-off values, a variant classified as benign is not then subjected to further curation. The score for this variant resulted in a classification of benign for this disease.

CSER _CC_NCGL, University of Washington
Classification: Uncertain significance for Malignant hyperthermia susceptibility. Last evaluated: 2015-12-01. Review status: criteria provided, single submitter. Criteria: Amendola et al. (Genome Res. 2015). Collection method: research. Allele origin: germline. Inheritance: Autosomal dominant inheritance. Study: CSER - NEXT Medicine variant annotation.
Comment: No known history of Malignant Hyperthermia. .GERP=5.170.ExAC Alt Allele Frequencies=AFR:0.6%,NFE:0.0030%,EAS:0.0%,SAS:0.0121%,FIN:0.0%,AMR:0.0087%,OTH:0.112%.